The following is an entry in ClinVar:

ClinVar aggregate classification (germline): Pathogenic. Review status: criteria provided, multiple submitters, no conflicts (2 of 4 stars). 3 submissions from 3 submitters: Pathogenic (3). Last evaluated 2025-11-19.

Conditions:
Mucopolysaccharidosis, MPS-IV-A (MPS4A). Also called: Mucopolysaccharidosis type IV A; Mucopolysaccharidosis Type IVA; Morquio syndrome A, mild; MORQUIO SYNDROME A; MPS IVA; mucopolysaccharidosis type 4A. Identifiers: Orphanet 309297, Orphanet 582, MedGen C0086651, MONDO:0009659, OMIM 253000.

Allele frequency attached by ClinVar (database versions not stated): gnomAD exomes below 0.00001.

Submissions (3):

Labcorp Genetics (formerly Invitae), Labcorp
Classification: Pathogenic for Mucopolysaccharidosis, MPS-IV-A. Last evaluated: 2025-11-19. Review status: criteria provided, single submitter. Criteria: Invitae Variant Classification Sherloc (09022015). Collection method: clinical testing. Allele origin: germline.
Comment: This sequence change creates a premature translational stop signal (p.Gln422*) in the GALNS gene. It is expected to result in an absent or disrupted protein product. Loss-of-function variants in GALNS are known to be pathogenic (PMID: 12442278). This variant is present in population databases (no rsID available, gnomAD 0.003%). This premature translational stop signal has been observed in individual(s) with mucopolysaccharidosis type IVA (PMID: 20574428). ClinVar contains an entry for this variant (Variation ID: 1048499). For these reasons, this variant has been classified as Pathogenic.

Revvity Omics, Revvity
Classification: Pathogenic for Mucopolysaccharidosis, MPS-IV-A. Last evaluated: 2022-07-11. Review status: criteria provided, single submitter. Criteria: ACMG Guidelines, 2015. Collection method: clinical testing. Allele origin: germline.

Laboratory of Diagnosis and Therapy of Lysosomal Disorders, University of Padova
Classification: Pathogenic for Mucopolysaccharidosis, MPS-IV-A. Last evaluated: 2021-02-01. Review status: criteria provided, single submitter. Criteria: ACMG Guidelines, 2015. Collection method: curation. Allele origin: germline. Affected: yes.
Comment: Nonsense variant (PVS1_very strong); the prevalence of the variant in affected individuals is significantly increased compared with the prevalence in controls (PS4_supporting); very low frequency in gnomAD v2.1.1 (PM2_moderate)

Literature cited by the submitters: PubMed 12442278 (cited by Labcorp Genetics (formerly Invitae), Labcorp); PubMed 20574428 (cited by Labcorp Genetics (formerly Invitae), Labcorp and Laboratory of Diagnosis and Therapy of Lysosomal Disorders, University of Padova); PubMed 34387910 (cited by Laboratory of Diagnosis and Therapy of Lysosomal Disorders, University of Padova).

NM_000512.5(GALNS):c.1264C>T (p.Gln422Ter)

Gene: GALNS (galactosamine (N-acetyl)-6-sulfatase; minus strand). Cytogenetic location: 16q24.3.
Variant type: single nucleotide variant.
Coding change: c.1264C>T on transcript NM_000512.5 (MANE Select); coding-DNA position 1264, C replaced by T.
Protein change: p.Gln422Ter; replaces glutamine 422 with a stop codon.
Molecular consequence: nonsense.
Genome position (GRCh38, 1-based): chr16:88,822,689, G>A on the plus strand (C>T on the coding strand, the complement: GALNS is on the minus strand). VCF-style: chr16-88822689-G-A. GRCh37 (hg19) VCF-style: chr16-88889097-G-A.
Other names: c.709C>T, p.Gln237Ter (NM_001323543.2); c.1282C>T, p.Gln428Ter (NM_001323544.2); short protein forms Q237*, Q422*, Q428*.
Identifiers: ClinVar variation 1048499 (VCV001048499.10), dbSNP rs1295162107, ClinGen allele CA397096398.